The following is an entry in ClinVar:

ClinVar aggregate classification (germline): Uncertain significance (1 of 4 stars; one submission).

Submission:

Labcorp Genetics (formerly Invitae), Labcorp
Classification: Uncertain significance. Last evaluated: 2022-08-06. Review status: criteria provided, single submitter. Criteria: Invitae Variant Classification Sherloc (09022015). Collection method: clinical testing. Allele origin: germline.
Comment: This sequence change replaces proline, which is neutral and non-polar, with leucine, which is neutral and non-polar, at codon 214 of the CTSK protein (p.Pro214Leu). This variant is not present in population databases (gnomAD no frequency). This variant has not been reported in the literature in individuals affected with CTSK-related conditions. Advanced modeling of protein sequence and biophysical properties (such as structural, functional, and spatial information, amino acid conservation, physicochemical variation, residue mobility, and thermodynamic stability) performed at Invitae indicates that this missense variant is not expected to disrupt CTSK protein function. In summary, the available evidence is currently insufficient to determine the role of this variant in disease. Therefore, it has been classified as a Variant of Uncertain Significance.

NM_000396.4(CTSK):c.641C>T (p.Pro214Leu)

Gene: CTSK (cathepsin K; minus strand). Cytogenetic location: 1q21.3.
Variant type: single nucleotide variant.
Coding change: c.641C>T on transcript NM_000396.4 (MANE Select); coding-DNA position 641, C replaced by T.
Protein change: p.Pro214Leu; replaces proline 214 with leucine.
Molecular consequence: missense variant.
Genome position (GRCh38, 1-based): chr1:150,799,687, G>A on the plus strand (C>T on the coding strand, the complement: CTSK is on the minus strand). VCF-style: chr1-150799687-G-A. GRCh37 (hg19) VCF-style: chr1-150772163-G-A.
Other names: short protein forms P214L.
Identifiers: ClinVar variation 2416890 (VCV002416890.3), dbSNP rs2525166951, ClinGen allele CA342336248.